The following is an entry in ClinVar:

NM_002519.3(NPAT):c.1139A>G (p.Gln380Arg)

Gene: NPAT (nuclear protein, coactivator of histone transcription; minus strand). Cytogenetic location: 11q22.3.
Variant type: single nucleotide variant.
Coding change: c.1139A>G on transcript NM_002519.3 (MANE Select); coding-DNA position 1139, A replaced by G.
Protein change: p.Gln380Arg; replaces glutamine 380 with arginine.
Molecular consequence: missense variant.
Genome position (GRCh38, 1-based): chr11:108,173,845, T>C on the plus strand (A>G on the coding strand, the complement: NPAT is on the minus strand). VCF-style: chr11-108173845-T-C. GRCh37 (hg19) VCF-style: chr11-108044572-T-C.
Other names: c.1139A>G, p.Gln380Arg (NM_001321307.1); short protein forms Q380R.
Identifiers: ClinVar variation 4694094 (VCV004694094.1).

ClinVar aggregate classification (germline): Uncertain significance (1 of 4 stars; one submission).

gnomAD v4.1: 27 of 1,614,082 alleles (0.0017%); highest among the groups gnomAD compares: Non-Finnish European, 0.0022%; no homozygotes.

Submission:

Labcorp Genetics (formerly Invitae), Labcorp
Classification: Uncertain significance. Last evaluated: 2025-05-12. Review status: criteria provided, single submitter. Criteria: Invitae Variant Classification Sherloc (09022015). Collection method: clinical testing. Allele origin: germline.
Comment: This sequence change replaces glutamine, which is neutral and polar, with arginine, which is basic and polar, at codon 380 of the NPAT protein (p.Gln380Arg). This variant is present in population databases (rs776739055, gnomAD 0.002%). This variant has not been reported in the literature in individuals affected with NPAT-related conditions. An algorithm developed to predict the effect of missense changes on protein structure and function outputs the following: PolyPhen-2: "Benign". The arginine amino acid residue is found in multiple mammalian species, which suggests that this missense change does not adversely affect protein function. In summary, the available evidence is currently insufficient to determine the role of this variant in disease. Therefore, it has been classified as a Variant of Uncertain Significance.